The following is an entry in ClinVar:

ClinVar aggregate classification (germline): Conflicting classifications of pathogenicity. Review status: criteria provided, conflicting classifications (1 of 4 stars). 4 submissions from 4 submitters: Uncertain significance (1); Likely benign (1). 2 of the submissions do not count toward it. Last evaluated 2025-07-03.

Conditions:
Curry-Hall syndrome (WAD). Also called: WEYERS ACRODENTAL DYSOSTOSIS. Identifiers: Orphanet 952, MedGen C0457013, MONDO:0008673, OMIM 193530.
Ellis-van Creveld syndrome (EVC). Also called: MESOECTODERMAL DYSPLASIA; Chondroectodermal dysplasia. Identifiers: Orphanet 289, MedGen C0013903, MONDO:0009162, OMIM 225500.
Inborn genetic diseases. Identifiers: MedGen C0950123, MeSH D030342.
EVC-related disorder. Also called: EVC-related disorders; EVC-related condition.

Allele frequency attached by ClinVar (database versions not stated): TOPMed 0.00004; gnomAD 0.00005.

Submissions (4):

Labcorp Genetics (formerly Invitae), Labcorp
Classification: Likely benign for Curry-Hall syndrome; Ellis-van Creveld syndrome. Last evaluated: 2025-07-03. Review status: criteria provided, single submitter. Criteria: Invitae Variant Classification Sherloc (09022015). Collection method: clinical testing. Allele origin: germline.

Ambry Genetics
Classification: Uncertain significance for Inborn genetic diseases. Last evaluated: 2024-02-17. Review status: criteria provided, single submitter. Criteria: Ambry Variant Classification Scheme 2023. Collection method: clinical testing. Allele origin: germline.

PreventionGenetics, part of Exact Sciences
Classification: Likely benign for EVC-related condition. Last evaluated: 2022-05-20. Review status: no assertion criteria provided. Collection method: clinical testing. Allele origin: germline. Not counted in ClinVar's aggregate classification.
Comment: This variant is classified as likely benign based on ACMG/AMP sequence variant interpretation guidelines (Richards et al. 2015 PMID: 25741868, with internal and published modifications).

Natera, Inc.
Classification: Uncertain significance for Ellis-van Creveld syndrome. Last evaluated: 2020-06-12. Review status: no assertion criteria provided. Collection method: clinical testing. Allele origin: germline. Not counted in ClinVar's aggregate classification.

NM_153717.3(EVC):c.107C>G (p.Ala36Gly)

Gene: EVC (EvC ciliary complex subunit 1; plus strand). Cytogenetic location: 4p16.2.
Variant type: single nucleotide variant.
Coding change: c.107C>G on transcript NM_153717.3 (MANE Select); coding-DNA position 107, C replaced by G.
Protein change: p.Ala36Gly; replaces alanine 36 with glycine.
Molecular consequence: missense variant.
Genome position (GRCh38, 1-based): chr4:5,711,487, C>G. VCF-style: chr4-5711487-C-G. GRCh37 (hg19) VCF-style: chr4-5713214-C-G.
Other names: c.107C>G (NM_153717.2); c.107C>G, p.Ala36Gly (NM_001306090.2, NM_001306092.2); short protein forms A36G.
Identifiers: ClinVar variation 1003868 (VCV001003868.10), dbSNP rs1219807707, ClinGen allele CA356156557.